The following is an entry in ClinVar:

NM_001330078.2(NRXN1):c.568A>C (p.Asn190His)

Gene: NRXN1 (neurexin 1; minus strand). Cytogenetic location: 2p16.3.
Variant type: single nucleotide variant.
Coding change: c.568A>C on transcript NM_001330078.2 (MANE Select); coding-DNA position 568, A replaced by C.
Protein change: p.Asn190His; replaces asparagine 190 with histidine.
Molecular consequence: missense variant.
Genome position (GRCh38, 1-based): chr2:51,027,706, T>G on the plus strand (A>C on the coding strand, the complement: NRXN1 is on the minus strand). VCF-style: chr2-51027706-T-G. GRCh37 (hg19) VCF-style: chr2-51254844-T-G.
Other names: c.568A>C, p.Asn190His (NM_001330082.2, NM_001330083.2, NM_001330084.2 and 15 more transcripts); short protein forms N190H.
Identifiers: ClinVar variation 1464934 (VCV001464934.6), dbSNP rs1047176952, ClinGen allele CA48054897.

ClinVar aggregate classification (germline): Uncertain significance (1 of 4 stars; one submission).

Conditions:
Pitt-Hopkins-like syndrome 2 (PTHSL2). Identifiers: Orphanet 221150, Orphanet 600663, MedGen C3280479, MONDO:0013690, OMIM 614325.

Submission:

Labcorp Genetics (formerly Invitae), Labcorp
Classification: Uncertain significance for Pitt-Hopkins-like syndrome 2. Last evaluated: 2024-10-24. Review status: criteria provided, single submitter. Criteria: Invitae Variant Classification Sherloc (09022015). Collection method: clinical testing. Allele origin: germline.
Comment: This sequence change replaces asparagine, which is neutral and polar, with histidine, which is basic and polar, at codon 190 of the NRXN1 protein (p.Asn190His). This variant is not present in population databases (gnomAD no frequency). This variant has not been reported in the literature in individuals affected with NRXN1-related conditions. ClinVar contains an entry for this variant (Variation ID: 1464934). An algorithm developed to predict the effect of missense changes on protein structure and function (PolyPhen-2) suggests that this variant is likely to be disruptive. In summary, the available evidence is currently insufficient to determine the role of this variant in disease. Therefore, it has been classified as a Variant of Uncertain Significance.